The following is an entry in ClinVar:

NM_003190.5(TAPBP):c.143G>T (p.Arg48Leu)

Gene: TAPBP (TAP binding protein; minus strand). Cytogenetic location: 6p21.32.
Variant type: single nucleotide variant.
Coding change: c.143G>T on transcript NM_003190.5 (MANE Select); coding-DNA position 143, G replaced by T.
Protein change: p.Arg48Leu; replaces arginine 48 with leucine.
Molecular consequence: missense variant.
Genome position (GRCh38, 1-based): chr6:33,313,759, C>A on the plus strand (G>T on the coding strand, the complement: TAPBP is on the minus strand). VCF-style: chr6-33313759-C-A. GRCh37 (hg19) VCF-style: chr6-33281536-C-A.
Other names: c.143G>T, p.Arg48Leu (NM_172208.3, NM_172209.3); short protein forms R48L.
Identifiers: ClinVar variation 1522131 (VCV001522131.6), dbSNP rs145263363, ClinGen allele CA3755962.

ClinVar aggregate classification (germline): Uncertain significance (1 of 4 stars; one submission).

Conditions:
MHC class I deficiency. Identifiers: Orphanet 34592, MedGen C6024714, MONDO:0011476.

Allele frequency attached by ClinVar (database versions not stated): ExAC 0.00001; TOPMed 0.00001; ESP Exome Variant Server 0.00008.

Submission:

Labcorp Genetics (formerly Invitae), Labcorp
Classification: Uncertain significance for MHC class I deficiency 1. Last evaluated: 2022-09-27. Review status: criteria provided, single submitter. Criteria: Invitae Variant Classification Sherloc (09022015). Collection method: clinical testing. Allele origin: germline.
Comment: In summary, the available evidence is currently insufficient to determine the role of this variant in disease. Therefore, it has been classified as a Variant of Uncertain Significance. Algorithms developed to predict the effect of missense changes on protein structure and function are either unavailable or do not agree on the potential impact of this missense change (SIFT: "Tolerated"; PolyPhen-2: "Possibly Damaging"; Align-GVGD: "Class C0"). ClinVar contains an entry for this variant (Variation ID: 1522131). This variant has not been reported in the literature in individuals affected with TAPBP-related conditions. This variant is present in population databases (rs145263363, gnomAD 0.002%). This sequence change replaces arginine, which is basic and polar, with leucine, which is neutral and non-polar, at codon 48 of the TAPBP protein (p.Arg48Leu).